The following is an entry in ClinVar:

NM_019018.3(OTULINL):c.65-13del

Gene: OTULINL (OTU deubiquitinase with linear linkage specificity like; plus strand). Cytogenetic location: 5p15.2.
Variant type: Deletion.
Coding change: c.65-13del on transcript NM_019018.3 (MANE Select); 13 bases into the intron before coding-DNA position 65, one base deleted (G; older notation c.65-13delG).
Molecular consequence: intron variant.
Genome position (GRCh38, 1-based): chr5:14,600,952, G deleted. VCF-style (leftmost placement, unchanged base first): chr5-14600951-TG-T. GRCh37 (hg19) VCF-style: chr5-14601060-TG-T.
Identifiers: ClinVar variation 402842 (VCV000402842.4), dbSNP rs370428364, ClinGen allele CA3208153.
Genomic context (GRCh38, chr5:14,600,951, plus strand): 5'-ATTTTTTTTCTCTTAAAGCAAACTTGTGTAATTGTGATGTGCTTTTTTTTTTTTTTTTTT[TG>T]TAATTTTCATAGGAAGTGACCAAGTTCACTCCTGGATGCTAGCTACAAGCCAAGCCTTAG-3'

ClinVar aggregate classification (germline): Benign (1 of 4 stars; one submission).

Allele frequency attached by ClinVar (database versions not stated): ExAC 0.01555.

Submission:

Laboratory for Molecular Medicine, Mass General Brigham Personalized Medicine
Classification: Benign. Last evaluated: 2016-03-29. Review status: criteria provided, single submitter. Criteria: LMM Criteria. Collection method: clinical testing. Allele origin: germline.
Comment: Variant identified in a genome or exome case(s) and assessed due to predicted null impact of the variant or pathogenic assertions in the literature or databases. Disclaimer: This variant has not undergone full assessment. The following are preliminary notes: Frequency